The following is an entry in ClinVar:

NM_000548.5(TSC2):c.2795G>C (p.Ser932Thr)

Gene: TSC2 (TSC complex subunit 2; plus strand). Cytogenetic location: 16p13.3.
Variant type: single nucleotide variant.
Coding change: c.2795G>C on transcript NM_000548.5 (MANE Select); coding-DNA position 2795, G replaced by C.
Protein change: p.Ser932Thr; replaces serine 932 with threonine.
Molecular consequence: missense variant. On other transcripts: non-coding transcript variant (5).
Genome position (GRCh38, 1-based): chr16:2,076,543, G>C. VCF-style: chr16-2076543-G-C. GRCh37 (hg19) VCF-style: chr16-2126544-G-C.
Other names: c.2195G>C, p.Ser732Thr (NM_001406684.1, NM_001406685.1, NM_001406686.1 and 6 more transcripts); c.1451G>C, p.Ser484Thr (NM_001406689.1, NM_001406690.1, NM_001406691.1 and 6 more transcripts); c.1193G>C, p.Ser398Thr (NM_001406698.1); c.2795G>C, p.Ser932Thr (NM_021055.3, NM_001077183.3, NM_001114382.3 and 6 more transcripts); c.2684G>C, p.Ser895Thr (NM_001318827.2, NM_001406670.1, NM_001406678.1); c.2648G>C, p.Ser883Thr (NM_001318829.2, NM_001406675.1, NM_001406676.1 and 1 more transcripts); c.2828G>C, p.Ser943Thr (NM_001318832.2); c.2885G>C, p.Ser962Thr (NM_001406667.1, NM_001406668.1); and 3 more; short protein forms S732T, S895T, S398T, S778T, S913T, S928T, S943T, S962T.
Identifiers: ClinVar variation 3462570 (VCV003462570.1).
Genomic context (GRCh38, chr16:2,076,543, plus strand): 5'-TCTGCCAGGGCCTGCGGTCCAATGTCCTCTTGTCTTTTGATGACACCCCCGAGAAGGACA[G>C]CTTCAGGGCCCGGAGTACTAGTCTCAACGAGAGACCCAAGAGGTACGGCCTGCGGGGGTG-3'
Protein context (NP_000539.2, residues 922-942): LSFDDTPEKD[Ser932Thr]FRARSTSLNE

ClinVar aggregate classification (germline): Uncertain significance (1 of 4 stars; one submission).

Conditions:
Hereditary cancer-predisposing syndrome. Also called: Tumor predisposition; Neoplastic Syndromes, Hereditary; Hereditary neoplastic syndrome; Hereditary Cancer Syndrome. Identifiers: Orphanet 140162, MedGen C0027672, MeSH D009386, MONDO:0015356.

Submission:

Ambry Genetics
Classification: Uncertain significance for Hereditary cancer-predisposing syndrome. Last evaluated: 2024-06-25. Review status: criteria provided, single submitter. Criteria: Ambry Variant Classification Scheme 2023. Collection method: clinical testing. Allele origin: germline.
Comment: The p.S932T variant (also known as c.2795G>C), located in coding exon 24 of the TSC2 gene, results from a G to C substitution at nucleotide position 2795. The serine at codon 932 is replaced by threonine, an amino acid with similar properties. This amino acid position is conserved. In addition, the in silico prediction for this alteration is inconclusive. Based on the available evidence, the clinical significance of this variant remains unclear.